The following is an entry in ClinVar:

ClinVar aggregate classification (germline): Benign. Review status: criteria provided, multiple submitters, no conflicts (2 of 4 stars). 7 submissions from 5 submitters: Benign (7). Last evaluated 2025-06-03.

Conditions:
Amelogenesis imperfecta type 1A. Also called: Amelogenesis imperfecta local hypoplastic; Amelogenesis imperfecta, hypoplastic type; Amelogenesis imperfecta, type IA; AMELOGENESIS IMPERFECTA, HYPOPLASTIC TYPE IA. Identifiers: Orphanet 88661, MedGen C4011403, MONDO:0007094, OMIM 104530.
Junctional epidermolysis bullosa. Identifiers: Orphanet 305, MedGen C0079301, MONDO:0017612.
Junctional epidermolysis bullosa, non-Herlitz type. Also called: EPIDERMOLYSIS BULLOSA JUNCTIONALIS, DISENTIS TYPE; EPIDERMOLYSIS BULLOSA JUNCTIONALIS, NON-HERLITZ TYPE; EPIDERMOLYSIS BULLOSA JUNCTIONALIS, PROGRESSIVE; EPIDERMOLYSIS BULLOSA JUNCTIONALIS, SEVERE NONLETHAL; Adult junctional epidermolysis bullosa; Epidermolysis bullosa, junctional, non-herlitz type, somatic mosaic revertant. Identifiers: Orphanet 251393, Orphanet 79402, Orphanet 79405, Orphanet 89840, MedGen C0268374, MONDO:0009180, OMIM 226650.
Junctional epidermolysis bullosa gravis of Herlitz. Also called: EPIDERMOLYSIS BULLOSA JUNCTIONALIS, HERLITZ TYPE; EPIDERMOLYSIS BULLOSA, JUNCTIONAL, HERLITZ-PEARSON TYPE; JEB-HERLITZ TYPE; Epidermolysis Bullosa Letalis; Herlitz-type junctional epidermolysis bullosa; EPIDERMOLYSIS BULLOSA, JUNCTIONAL 1B, SEVERE. Identifiers: Orphanet 79404, MedGen C0079683, MONDO:0009182, OMIM 226700.

Allele frequency attached by ClinVar (database versions not stated): gnomAD 0.27226 and 0.27443; gnomAD exomes 0.27537; TOPMed 0.28284; 1000 Genomes Project 30x 0.29122; 1000 Genomes Project 0.29513.
gnomAD v4.1: 408,751 of 1,486,242 alleles (28%); highest among the groups gnomAD compares: Admixed American, 40%; 57,455 homozygotes.

Submissions (7):

Labcorp Genetics (formerly Invitae), Labcorp
Classification: Benign. Last evaluated: 2025-06-03. Review status: criteria provided, single submitter. Criteria: Invitae Variant Classification Sherloc (09022015). Collection method: clinical testing. Allele origin: germline.

Genome-Nilou Lab
Classification: Benign for Amelogenesis imperfecta type 1A. Last evaluated: 2021-07-08. Review status: criteria provided, single submitter. Criteria: ACMG Guidelines, 2015. Collection method: clinical testing. Allele origin: germline. Affected: no.

Genome-Nilou Lab
Classification: Benign for Junctional epidermolysis bullosa gravis of Herlitz. Last evaluated: 2021-07-08. Review status: criteria provided, single submitter. Criteria: ACMG Guidelines, 2015. Collection method: clinical testing. Allele origin: germline. Affected: no.

Genome-Nilou Lab
Classification: Benign for Junctional epidermolysis bullosa, non-Herlitz type. Last evaluated: 2021-07-08. Review status: criteria provided, single submitter. Criteria: ACMG Guidelines, 2015. Collection method: clinical testing. Allele origin: germline. Affected: no.

GeneDx
Classification: Benign. Last evaluated: 2021-05-12. Review status: criteria provided, single submitter. Criteria: GeneDx Variant Classification Process June 2021. Collection method: clinical testing. Allele origin: germline. Affected: yes.
Comment: This variant is associated with the following publications: (PMID: 20163849, 23320911)

Illumina Laboratory Services, Illumina
Classification: Benign for Junctional epidermolysis bullosa. Last evaluated: 2018-01-12. Review status: criteria provided, single submitter. Criteria: ICSL Variant Classification Criteria 13 December 2019. Collection method: clinical testing. Allele origin: germline.
Comment: This variant was observed in the ICSL laboratory as part of a predisposition screen in an ostensibly healthy population. It had not been previously curated by ICSL or reported in the Human Gene Mutation Database (HGMD: prior to June 1st, 2018), and was therefore a candidate for classification through an automated scoring system. Utilizing variant allele frequency, disease prevalence and penetrance estimates, and inheritance mode, an automated score was calculated to assess if this variant is too frequent to cause the disease. Based on the score and internal cut-off values, a variant classified as benign is not then subjected to further curation. The score for this variant resulted in a classification of benign for this disease.

Breakthrough Genomics
Classification: Benign. Review status: criteria provided, single submitter. Criteria: ACMG Guidelines, 2015. Collection method: not provided. Allele origin: germline. Inheritance: Autosomal recessive inheritance. Affected: yes.

NM_000228.3(LAMB3):c.*102C>T

Gene: LAMB3 (laminin subunit beta 3; minus strand). Cytogenetic location: 1q32.2.
Variant type: single nucleotide variant.
Coding change: c.*102C>T on transcript NM_000228.3 (MANE Select); 102 bases downstream of the stop codon, C replaced by T.
Molecular consequence: 3 prime UTR variant.
Genome position (GRCh38, 1-based): chr1:209,615,169, G>A on the plus strand (C>T on the coding strand, the complement: LAMB3 is on the minus strand). VCF-style: chr1-209615169-G-A. GRCh37 (hg19) VCF-style: chr1-209788514-G-A.
Other names: c.*102C>T (NM_001017402.2, NM_001127641.1).
Identifiers: ClinVar variation 295059 (VCV000295059.19), dbSNP rs2566, ClinGen allele CA10609590.